The following is an entry in ClinVar:

ClinVar aggregate classification (germline): Benign (1 of 4 stars; one submission).

Submission:

Unidad de Genómica Garrahan, Hospital de Pediatría Garrahan
Classification: Benign. Last evaluated: 2023-11-12. Review status: criteria provided, single submitter. Criteria: ACMG Guidelines, 2015. Collection method: clinical testing. Allele origin: germline. Affected: no. Observed: 38 variant alleles.
Comment: This variant is classified as Benign based on local population frequency. This variant was detected in 40% of patients studied by a panel of primary immunodeficiencies. Number of patients: 38. Only high quality variants are reported.

NM_006254.4(PRKCD):c.315+24GT[11]

Gene: PRKCD (protein kinase C delta; plus strand). Cytogenetic location: 3p21.1.
Variant type: Microsatellite.
Coding change: c.315+24GT[11] on transcript NM_006254.4 (MANE Select); 11 copies in a row of the 2-base unit GT starting at c.315+24; the reference has ten copies in a row; one copy, 2 bases duplicated.
Molecular consequence: intron variant.
Genome position (GRCh38, 1-based): chr3:53,179,818-53,179,819, GT duplicated; duplicating any 2 consecutive bases within chr3:53,179,800-53,179,819 gives the same sequence; the position shown is the placement nearest the transcript's 3' end. VCF-style (leftmost placement, unchanged base first): chr3-53179799-C-CGT. GRCh37 (hg19) VCF-style: chr3-53213815-C-CGT.
Other names: c.315+24GT[11] (NM_001354680.2, NM_001354679.2, NM_212539.2 and 1 more transcripts); c.372+24GT[11] (NM_001354676.2); c.363+24GT[11] (NM_001354678.2).
Identifiers: ClinVar variation 2628212 (VCV002628212.2), dbSNP rs3830263, ClinGen allele CA2451740.